The following is an entry in ClinVar:

ClinVar aggregate classification (germline): Uncertain significance. Review status: criteria provided, multiple submitters, no conflicts (2 of 4 stars). 4 submissions from 4 submitters: Uncertain significance (3). 1 of the submissions does not count toward it. Last evaluated 2025-12-15.

Conditions:
Hereditary cancer-predisposing syndrome. Also called: Hereditary Cancer Syndrome; Hereditary neoplastic syndrome; Neoplastic Syndromes, Hereditary; Tumor predisposition. Identifiers: Orphanet 140162, MedGen C0027672, MeSH D009386, MONDO:0015356.
Bloom syndrome (BLM). Also called: Bloom-Torre-Machacek syndrome. Identifiers: Orphanet 125, MedGen C0005859, MONDO:0008876, OMIM 210900.

Allele frequency attached by ClinVar (database versions not stated): TOPMed below 0.00001; gnomAD exomes 0.00001.

Submissions (4):

Labcorp Genetics (formerly Invitae), Labcorp
Classification: Uncertain significance for Bloom syndrome. Last evaluated: 2025-12-15. Review status: criteria provided, single submitter. Criteria: Invitae Variant Classification Sherloc (09022015). Collection method: clinical testing. Allele origin: germline.
Comment: This sequence change replaces phenylalanine, which is neutral and non-polar, with cysteine, which is neutral and slightly polar, at codon 479 of the BLM protein (p.Phe479Cys). This variant is present in population databases (no rsID available, gnomAD 0.006%). This variant has not been reported in the literature in individuals affected with BLM-related conditions. ClinVar contains an entry for this variant (Variation ID: 454077). Invitae Evidence Modeling of protein sequence and biophysical properties (such as structural, functional, and spatial information, amino acid conservation, physicochemical variation, residue mobility, and thermodynamic stability) indicates that this missense variant is not expected to disrupt BLM protein function with a negative predictive value of 80%. In summary, the available evidence is currently insufficient to determine the role of this variant in disease. Therefore, it has been classified as a Variant of Uncertain Significance.

Ambry Genetics
Classification: Uncertain significance for Hereditary cancer-predisposing syndrome. Last evaluated: 2025-08-08. Review status: criteria provided, single submitter. Criteria: Ambry Variant Classification Scheme 2023. Collection method: clinical testing. Allele origin: germline.
Comment: The p.F479C variant (also known as c.1436T>G), located in coding exon 6 of the BLM gene, results from a T to G substitution at nucleotide position 1436. The phenylalanine at codon 479 is replaced by cysteine, an amino acid with highly dissimilar properties. This amino acid position is poorly conserved in available vertebrate species. In addition, this alteration is predicted to be tolerated by in silico analysis. Since supporting evidence is limited at this time, the clinical significance of this alteration remains unclear.

Baylor Genetics
Classification: Uncertain significance for Bloom syndrome. Last evaluated: 2021-07-13. Review status: criteria provided, single submitter. Criteria: ACMG Guidelines, 2015. Collection method: clinical testing. Allele origin: unknown. Affected: yes. Study: CSER-TexasKidsCanSeq.
Comment: This variant was determined to be of uncertain significance according to ACMG Guidelines, 2015 [PMID:25741868].

Natera, Inc.
Classification: Uncertain significance for Bloom syndrome. Last evaluated: 2020-09-16. Review status: no assertion criteria provided. Collection method: clinical testing. Allele origin: germline. Not counted in ClinVar's aggregate classification.

NM_000057.4(BLM):c.1436T>G (p.Phe479Cys)

Gene: BLM (BLM RecQ like helicase; plus strand). Cytogenetic location: 15q26.1.
Variant type: single nucleotide variant.
Coding change: c.1436T>G on transcript NM_000057.4 (MANE Select); coding-DNA position 1436, T replaced by G.
Protein change: p.Phe479Cys; replaces phenylalanine 479 with cysteine.
Molecular consequence: missense variant.
Genome position (GRCh38, 1-based): chr15:90,760,809, T>G. VCF-style: chr15-90760809-T-G. GRCh37 (hg19) VCF-style: chr15-91304039-T-G.
Other names: c.1436T>G, p.Phe479Cys (NM_001287246.2, NM_001287247.2); c.311T>G, p.Phe104Cys (NM_001287248.2); c.1436T>G (NM_000057.2); short protein forms F479C, F104C.
Identifiers: ClinVar variation 454077 (VCV000454077.13), dbSNP rs1418071613, ClinGen allele CA393843051.